The following is an entry in ClinVar:

NM_198576.4(AGRN):c.356C>T (p.Pro119Leu)

Genes: AGRN (agrin; plus strand), LOC126805576 (P300/CBP strongly-dependent group 1 enhancer GRCh37_chr1:956772-957971; plus strand). Cytogenetic location: 1p36.33.
Variant type: single nucleotide variant.
Coding change: c.356C>T on transcript NM_198576.4 (MANE Select); coding-DNA position 356, C replaced by T.
Protein change: p.Pro119Leu; replaces proline 119 with leucine.
Molecular consequence: missense variant.
Genome position (GRCh38, 1-based): chr1:1,022,355, C>T. VCF-style: chr1-1022355-C-T. GRCh37 (hg19) VCF-style: chr1-957735-C-T.
Other names: c.356C>T, p.Pro119Leu (NM_001305275.2); short protein forms P119L.
Identifiers: ClinVar variation 1016725 (VCV001016725.6), dbSNP rs760057776, ClinGen allele CA507804.

ClinVar aggregate classification (germline): Uncertain significance (1 of 4 stars; one submission).

Conditions:
Congenital myasthenic syndrome 8. Also called: Myasthenic syndrome, congenital, 8, with pre- and postsynaptic defects; MYASTHENIC SYNDROME, CONGENITAL, DUE TO AGRIN DEFICIENCY. Identifiers: Orphanet 590, MedGen C3808739, MONDO:0014052, OMIM 615120.

Allele frequency attached by ClinVar (database versions not stated): gnomAD exomes below 0.00001 and 0.00001; TOPMed below 0.00001; ExAC 0.00001; gnomAD 0.00001.
gnomAD v4.1: 11 of 1,613,270 alleles (0.00068%); highest among the groups gnomAD compares: Middle Eastern, 0.016%; no homozygotes.

Submission:

Labcorp Genetics (formerly Invitae), Labcorp
Classification: Uncertain significance for Congenital myasthenic syndrome 8. Last evaluated: 2021-09-01. Review status: criteria provided, single submitter. Criteria: Invitae Variant Classification Sherloc (09022015). Collection method: clinical testing. Allele origin: germline.
Comment: This sequence change replaces proline with leucine at codon 119 of the AGRN protein (p.Pro119Leu). The proline residue is moderately conserved and there is a moderate physicochemical difference between proline and leucine. This variant is present in population databases (rs760057776, ExAC 0.002%). This variant has not been reported in the literature in individuals affected with AGRN-related conditions. Algorithms developed to predict the effect of missense changes on protein structure and function are either unavailable or do not agree on the potential impact of this missense change (SIFT: "Tolerated"; PolyPhen-2: "Probably Damaging"; Align-GVGD: "Class C0"). In summary, the available evidence is currently insufficient to determine the role of this variant in disease. Therefore, it has been classified as a Variant of Uncertain Significance.